The following is an entry in ClinVar:

NM_021619.3(PRDM12):c.230A>G (p.Gln77Arg)

Genes: PRDM12 (PR/SET domain 12; plus strand), LOC126860775 (CDK7 strongly-dependent group 2 enhancer GRCh37_chr9:133541982-133543181; plus strand). Cytogenetic location: 9q34.12.
Variant type: single nucleotide variant.
Coding change: c.230A>G on transcript NM_021619.3 (MANE Select); coding-DNA position 230, A replaced by G.
Protein change: p.Gln77Arg; replaces glutamine 77 with arginine.
Molecular consequence: missense variant.
Genome position (GRCh38, 1-based): chr9:130,666,614, A>G. VCF-style: chr9-130666614-A-G. GRCh37 (hg19) VCF-style: chr9-133542001-A-G.
Other names: short protein forms Q77R.
Identifiers: ClinVar variation 4887152 (VCV004887152.1).
Genomic context (GRCh38, chr9:130,666,614, plus strand): 5'-CCGGGCCTCGGCTGCCTCGGGCTCTGACCGGTTTTCCTGGCCCCGCCGCCGCAGAAGTGC[A>G]GAAGCTGTCCAGCCTGGTGCTGCCTGCGGAGGTGATCATCGCTCAGAGCTCCATCCCTGG-3'
Protein context (NP_067632.2, residues 67-87): VLAQSFSGEV[Gln77Arg]KLSSLVLPAE

ClinVar aggregate classification (germline): Uncertain significance (1 of 4 stars; one submission).

gnomAD v4.1: 1 of 1,607,568 alleles (0.000062%); highest among the groups gnomAD compares: Non-Finnish European, 0.000085%; no homozygotes.

Submission:

Women's Health and Genetics/Laboratory Corporation of America, LabCorp
Classification: Uncertain significance. Last evaluated: 2026-06-18. Review status: criteria provided, single submitter. Criteria: LabCorp Variant Classification Summary - May 2015. Collection method: clinical testing. Allele origin: germline.
Comment: Variant summary: PRDM12 c.230A>G (p.Gln77Arg) results in a conservative amino acid change in the encoded protein sequence. Algorithms developed to predict the effect of missense changes on protein structure and function are either unavailable or do not agree on the potential impact of this missense change. The variant was absent in 243410 control chromosomes. The available data on variant occurrences in the general population are insufficient to allow any conclusion about variant significance. To our knowledge, no occurrence of c.230A>G in individuals affected with PRDM12-related conditions and no experimental evidence demonstrating its impact on protein function have been reported. No submitters have cited clinical-significance assessments for this variant to ClinVar. Based on the evidence outlined above, the variant was classified as uncertain significance.